The following is an entry in ClinVar:

NM_024675.4(PALB2):c.1702C>T (p.Gln568Ter)

Gene: PALB2 (partner and localizer of BRCA2; minus strand). Cytogenetic location: 16p12.2.
Variant type: single nucleotide variant.
Coding change: c.1702C>T on transcript NM_024675.4 (MANE Select); coding-DNA position 1702, C replaced by T.
Protein change: p.Gln568Ter; replaces glutamine 568 with a stop codon.
Molecular consequence: nonsense.
Genome position (GRCh38, 1-based): chr16:23,630,452, G>A on the plus strand (C>T on the coding strand, the complement: PALB2 is on the minus strand). VCF-style: chr16-23630452-G-A. GRCh37 (hg19) VCF-style: chr16-23641773-G-A.
Other names: short protein forms Q568*.
Identifiers: ClinVar variation 460907 (VCV000460907.11), dbSNP rs876659354, ClinGen allele CA395128442.

ClinVar aggregate classification (germline): Pathogenic. Review status: criteria provided, multiple submitters, no conflicts (2 of 4 stars). 3 submissions from 3 submitters: Pathogenic (3). Last evaluated 2024-05-14.

Conditions:
Familial cancer of breast. Also called: BREAST CANCER, FAMILIAL; Hereditary breast cancer; hereditary breast carcinoma. Identifiers: Orphanet 227535, MedGen C0346153, MONDO:0016419, OMIM 114480. Disease mechanism: loss of function.
Hereditary cancer-predisposing syndrome. Also called: Neoplastic Syndromes, Hereditary; Hereditary Cancer Syndrome; Hereditary neoplastic syndrome; Tumor predisposition. Identifiers: Orphanet 140162, MedGen C0027672, MeSH D009386, MONDO:0015356.

Submissions (3):

Myriad Genetics, Inc.
Classification: Pathogenic for Familial cancer of breast. Last evaluated: 2024-05-14. Review status: criteria provided, single submitter. Criteria: Myriad Autosomal Dominant, Autosomal Recessive and X-Linked Classification Criteria (2023). Collection method: clinical testing. Allele origin: unknown.
Comment: This variant is considered pathogenic. This variant creates a termination codon and is predicted to result in premature protein truncation.

Ambry Genetics
Classification: Pathogenic for Hereditary cancer-predisposing syndrome. Last evaluated: 2021-11-27. Review status: criteria provided, single submitter. Criteria: Ambry Variant Classification Scheme 2023. Collection method: clinical testing. Allele origin: germline.
Comment: The p.Q568* pathogenic mutation (also known as c.1702C>T), located in coding exon 5 of the PALB2 gene, results from a C to T substitution at nucleotide position 1702. This changes the amino acid from a glutamine to a stop codon within coding exon 5. This alteration is expected to result in loss of function by premature protein truncation or nonsense-mediated mRNA decay. As such, this alteration is interpreted as a disease-causing mutation.

Labcorp Genetics (formerly Invitae), Labcorp
Classification: Pathogenic for Familial cancer of breast. Last evaluated: 2020-03-18. Review status: criteria provided, single submitter. Criteria: Invitae Variant Classification Sherloc (09022015). Collection method: clinical testing. Allele origin: germline.
Comment: This variant is not present in population databases (ExAC no frequency). This sequence change creates a premature translational stop signal (p.Gln568*) in the PALB2 gene. It is expected to result in an absent or disrupted protein product. For these reasons, this variant has been classified as Pathogenic. Loss-of-function variants in PALB2 are known to be pathogenic (PMID: 17200668, 24136930, 25099575). This variant has not been reported in the literature in individuals with PALB2-related conditions. ClinVar contains an entry for this variant (Variation ID: 460907).

Literature cited by the submitters: PubMed 17200668 (cited by Labcorp Genetics (formerly Invitae), Labcorp); PubMed 24136930 (cited by Labcorp Genetics (formerly Invitae), Labcorp); PubMed 25099575 (cited by Labcorp Genetics (formerly Invitae), Labcorp).